The following is an entry in ClinVar:

ClinVar aggregate classification (germline): Uncertain significance (1 of 4 stars; one submission).

gnomAD v4.1: 1 of 1,209,455 alleles (0.000083%); highest among the groups gnomAD compares: Admixed American, 0.0022%; no homozygotes.

Submission:

GeneDx
Classification: Uncertain significance. Last evaluated: 2025-05-27. Review status: criteria provided, single submitter. Criteria: GeneDx Variant Classification Process June 2021. Collection method: clinical testing. Allele origin: germline. Affected: yes.
Comment: Not observed at significant frequency in large population cohorts (gnomAD); In silico analysis suggests that this missense variant does not alter protein structure/function; Has not been previously published as pathogenic or benign to our knowledge

NM_014927.5(CNKSR2):c.652C>A (p.Leu218Met)

Gene: CNKSR2 (connector enhancer of kinase suppressor of Ras 2; plus strand). Cytogenetic location: Xp22.12.
Variant type: single nucleotide variant.
Coding change: c.652C>A on transcript NM_014927.5 (MANE Select); coding-DNA position 652, C replaced by A.
Protein change: p.Leu218Met; replaces leucine 218 with methionine.
Molecular consequence: missense variant.
Genome position (GRCh38, 1-based): chrX:21,490,549, C>A. VCF-style: chrX-21490549-C-A. GRCh37 (hg19) VCF-style: chrX-21508667-C-A.
Other names: c.652C>A, p.Leu218Met (NM_001168648.3, NM_001168649.3, NM_001330770.2 and 4 more transcripts); short protein forms L218M.
Identifiers: ClinVar variation 4532552 (VCV004532552.1).